The following is an entry in ClinVar:

NM_002471.4(MYH6):c.2334G>C (p.Met778Ile)

Gene: MYH6 (myosin heavy chain 6; minus strand). Cytogenetic location: 14q11.2.
Variant type: single nucleotide variant.
Coding change: c.2334G>C on transcript NM_002471.4 (MANE Select); coding-DNA position 2334, G replaced by C.
Protein change: p.Met778Ile; replaces methionine 778 with isoleucine.
Molecular consequence: missense variant.
Genome position (GRCh38, 1-based): chr14:23,396,379, C>G on the plus strand (G>C on the coding strand, the complement: MYH6 is on the minus strand). VCF-style: chr14-23396379-C-G. GRCh37 (hg19) VCF-style: chr14-23865588-C-G.
Other names: short protein forms M778I.
Identifiers: ClinVar variation 3341388 (VCV003341388.1).

ClinVar aggregate classification (germline): Uncertain significance (1 of 4 stars; one submission).

Conditions:
Hypertrophic cardiomyopathy 14. Identifiers: MedGen C2750467, MONDO:0013197, OMIM 613251.

gnomAD v4.1: 2 of 1,614,072 alleles (0.00012%); highest among the groups gnomAD compares: South Asian, 0.0022%; no homozygotes.

Submission:

Neuberg Centre For Genomic Medicine, NCGM
Classification: Uncertain significance for Hypertrophic cardiomyopathy 14. Last evaluated: 2023-05-20. Review status: criteria provided, single submitter. Criteria: ACMG Guidelines, 2015. Collection method: clinical testing. Allele origin: germline. Inheritance: Autosomal dominant inheritance. Affected: yes.
Comment: The missense variant c.2334G>C (p.Met778Ile) in the MYH6 gene has not been reported previously as a pathogenic variant nor as a benign variant, to our knowledge. This variant is reported with the allele frequency (0.0007%) in the gnomAD Exomes and absent in 1000 Genomes. The amino acid Methionine at position 778 is changed to an Isoleucine changing protein sequence and it might alter its composition and physico-chemical properties. Computational evidence (Polyphen, SIFT and MutationTaster) predicts conflicting evidence on protein structure and function for this variant. The amino acid change p.Met778Ile in MYH6 is predicted as conserved by GERP++ and PhyloP across 100 vertebrates. For these reasons, this variant has been classified as Uncertain Significance.